The following is an entry in ClinVar:

NM_000163.5(GHR):c.1894C>A (p.Gln632Lys)

Gene: GHR (growth hormone receptor; plus strand). Cytogenetic location: 5p12.
Variant type: single nucleotide variant.
Coding change: c.1894C>A on transcript NM_000163.5 (MANE Select); coding-DNA position 1894, C replaced by A.
Protein change: p.Gln632Lys; replaces glutamine 632 with lysine.
Molecular consequence: missense variant. On other transcripts: 3 prime UTR variant (1).
Genome position (GRCh38, 1-based): chr5:42,719,401, C>A. VCF-style: chr5-42719401-C-A. GRCh37 (hg19) VCF-style: chr5-42719503-C-A.
Other names: c.1915C>A, p.Gln639Lys (NM_001242399.2); c.1894C>A, p.Gln632Lys (NM_001242400.2, NM_001242401.4, NM_001242402.2 and 4 more transcripts); c.1828C>A, p.Gln610Lys (NM_001242460.2); c.*936C>A (NM_001242462.1); short protein forms Q632K, Q610K, Q639K.
Identifiers: ClinVar variation 4991934 (VCV004991934.1).

ClinVar aggregate classification (germline): Uncertain significance (1 of 4 stars; one submission).

Conditions:
GHR-related disorder. Also called: GHR-related condition.

Submission:

PreventionGenetics, part of Exact Sciences
Classification: Uncertain significance for GHR-related condition. Last evaluated: 2025-12-15. Review status: criteria provided, single submitter. Criteria: ACMG Guidelines, 2015. Collection method: clinical testing. Allele origin: germline.
Comment: The GHR c.1894C>A variant is predicted to result in the amino acid substitution p.Gln632Lys. To our knowledge, this variant has not been reported in the literature or in a large population database (gnomAD), indicating this variant is rare. At this time, the clinical significance of this variant is uncertain due to the absence of conclusive functional and genetic evidence.